The following is an entry in ClinVar:

NM_001205293.3(CACNA1E):c.6502C>T (p.Pro2168Ser)

Gene: CACNA1E (calcium voltage-gated channel subunit alpha1 E; plus strand). Cytogenetic location: 1q25.3.
Variant type: single nucleotide variant.
Coding change: c.6502C>T on transcript NM_001205293.3 (MANE Select); coding-DNA position 6502, C replaced by T.
Protein change: p.Pro2168Ser; replaces proline 2168 with serine.
Molecular consequence: missense variant.
Genome position (GRCh38, 1-based): chr1:181,798,394, C>T. VCF-style: chr1-181798394-C-T. GRCh37 (hg19) VCF-style: chr1-181767530-C-T.
Other names: c.6373C>T, p.Pro2125Ser (NM_000721.4); c.6316C>T, p.Pro2106Ser (NM_001205294.2); short protein forms P2106S, P2168S, P2125S.
Identifiers: ClinVar variation 2004010 (VCV002004010.4), dbSNP rs1251726954, ClinGen allele CA343844923.

ClinVar aggregate classification (germline): Uncertain significance (1 of 4 stars; one submission).

Allele frequency attached by ClinVar (database versions not stated): TOPMed below 0.00001.

Submission:

Labcorp Genetics (formerly Invitae), Labcorp
Classification: Uncertain significance. Last evaluated: 2022-06-09. Review status: criteria provided, single submitter. Criteria: Invitae Variant Classification Sherloc (09022015). Collection method: clinical testing. Allele origin: germline.
Comment: This sequence change replaces proline, which is neutral and non-polar, with serine, which is neutral and polar, at codon 2125 of the CACNA1E protein (p.Pro2125Ser). This variant is not present in population databases (gnomAD no frequency). This variant has not been reported in the literature in individuals affected with CACNA1E-related conditions. Algorithms developed to predict the effect of missense changes on protein structure and function are either unavailable or do not agree on the potential impact of this missense change (SIFT: "Deleterious"; PolyPhen-2: "Probably Damaging"; Align-GVGD: "Class C0"). In summary, the available evidence is currently insufficient to determine the role of this variant in disease. Therefore, it has been classified as a Variant of Uncertain Significance.